The following is an entry in ClinVar:

ClinVar aggregate classification (germline): Pathogenic (1 of 4 stars; one submission).

Conditions:
Tatton-Brown-Rahman overgrowth syndrome. Also called: Tall stature-intellectual disability-facial dysmorphism syndrome; Tatton-Brown-Rahman syndrome. Identifiers: Orphanet 404443, MedGen C4014545, MONDO:0014382, OMIM 615879.

gnomAD v4.1: 4 of 1,613,652 alleles (0.00025%); highest among the groups gnomAD compares: Non-Finnish European, 0.00034%; no homozygotes.

Submission:

Labcorp Genetics (formerly Invitae), Labcorp
Classification: Pathogenic for Tatton-Brown-Rahman overgrowth syndrome. Last evaluated: 2024-03-25. Review status: criteria provided, single submitter. Criteria: Invitae Variant Classification Sherloc (09022015). Collection method: clinical testing. Allele origin: germline.
Comment: This sequence change creates a premature translational stop signal (p.Trp409*) in the DNMT3A gene. It is expected to result in an absent or disrupted protein product. Loss-of-function variants in DNMT3A are known to be pathogenic (PMID: 24614070). This variant is not present in population databases (gnomAD no frequency). This variant has not been reported in the literature in individuals affected with DNMT3A-related conditions. For these reasons, this variant has been classified as Pathogenic.

Literature cited by the submitters: PubMed 24614070.

NM_022552.5(DNMT3A):c.1227G>A (p.Trp409Ter)

Gene: DNMT3A (DNA methyltransferase 3 alpha; minus strand). Cytogenetic location: 2p23.3.
Variant type: single nucleotide variant.
Coding change: c.1227G>A on transcript NM_022552.5 (MANE Select); coding-DNA position 1227, G replaced by A.
Protein change: p.Trp409Ter; replaces tryptophan 409 with a stop codon.
Molecular consequence: nonsense. On other transcripts: non-coding transcript variant (1).
Genome position (GRCh38, 1-based): chr2:25,246,672, C>T on the plus strand (G>A on the coding strand, the complement: DNMT3A is on the minus strand). VCF-style: chr2-25246672-C-T. GRCh37 (hg19) VCF-style: chr2-25469541-C-T.
Other names: c.771G>A, p.Trp257Ter (NM_001320893.1); c.558G>A, p.Trp186Ter (NM_001375819.1); c.660G>A, p.Trp220Ter (NM_153759.3); c.1227G>A, p.Trp409Ter (NM_175629.2); short protein forms W186*, W220*, W257*, W409*.
Identifiers: ClinVar variation 3608977 (VCV003608977.2).